The following is an entry in ClinVar:

NM_005235.3(ERBB4):c.82+82C>T

Gene: ERBB4 (erb-b2 receptor tyrosine kinase 4; minus strand). Cytogenetic location: 2q34.
Variant type: single nucleotide variant.
Coding change: c.82+82C>T on transcript NM_005235.3 (MANE Select); 82 bases into the intron after coding-DNA position 82, C replaced by T.
Molecular consequence: intron variant.
Genome position (GRCh38, 1-based): chr2:212,538,367, G>A on the plus strand (C>T on the coding strand, the complement: ERBB4 is on the minus strand). VCF-style: chr2-212538367-G-A. GRCh37 (hg19) VCF-style: chr2-213403091-G-A.
Other names: c.82+82C>T (NM_001042599.2, NM_001439006.1, NM_001439005.1).
Identifiers: ClinVar variation 1294726 (VCV001294726.5), dbSNP rs73989053, ClinGen allele CA11043929.
Genomic context (GRCh38, chr2:212,538,367, plus strand): 5'-GTGACCGAAAGCCCAGGGAAGAGGCCCCGGTCAAGCGGTCCCTCCACGCCTCCCGGGATG[G>A]GTGAAGAGGGCAGGGGAGCCACTCGAGGCAGCCCCGCCGGCGGCTGCAGGTTCGGCGACC-3'

ClinVar aggregate classification (germline): Benign. Review status: criteria provided, multiple submitters, no conflicts (2 of 4 stars). 3 submissions from 3 submitters: Benign (3). Last evaluated 2024-07-31.

Allele frequency attached by ClinVar (database versions not stated): TOPMed 0.20029; gnomAD 0.20487 and 0.19933; gnomAD exomes 0.16040; 1000 Genomes Project 0.17831; 1000 Genomes Project 30x 0.18145.
gnomAD v4.1: 201,944 of 1,220,908 alleles (17%); highest among the groups gnomAD compares: African/African-American, 32%; 18,510 homozygotes.

Submissions (3):

Unidad de Genómica Garrahan, Hospital de Pediatría Garrahan
Classification: Benign. Last evaluated: 2024-07-31. Review status: criteria provided, single submitter. Criteria: ACMG Guidelines, 2015. Collection method: clinical testing. Allele origin: germline. Affected: no. Observed: 25 variant alleles.
Comment: This variant is classified as Benign based on local population frequency. This variant was detected in 27% of patients studied in a panel designed for Epileptic and Developmental Encephalopathy, Progressive Myoclonus Epilepsy and Abnormal Movements and Neurodegeneration with brain iron accumulation. Number of patients: 25. Only high quality variants are reported.

GeneDx
Classification: Benign. Last evaluated: 2021-05-11. Review status: criteria provided, single submitter. Criteria: GeneDx Variant Classification Process June 2021. Collection method: clinical testing. Allele origin: germline. Affected: yes.

Breakthrough Genomics
Classification: Benign. Review status: criteria provided, single submitter. Criteria: ACMG Guidelines, 2015. Collection method: not provided. Allele origin: germline. Inheritance: Autosomal dominant inheritance. Affected: yes.